The following is an entry in ClinVar:

NM_000051.4(ATM):c.486A>G (p.Gln162=)

Gene: ATM (ATM serine/threonine kinase; plus strand). Cytogenetic location: 11q22.3.
Variant type: single nucleotide variant.
Coding change: c.486A>G on transcript NM_000051.4 (MANE Select); coding-DNA position 486, A replaced by G.
Protein change: p.Gln162=; no amino-acid change (glutamine 162 retained).
Molecular consequence: synonymous variant.
Genome position (GRCh38, 1-based): chr11:108,235,824, A>G. VCF-style: chr11-108235824-A-G. GRCh37 (hg19) VCF-style: chr11-108106551-A-G.
Other names: c.486A>G, p.Gln162= (NM_001351834.2).
Identifiers: ClinVar variation 2766350 (VCV002766350.5), dbSNP rs2135126166, ClinGen allele CA476670428.
Genomic context (GRCh38, chr11:108,235,824, plus strand): 5'-CAACATACTACTCAAAGACATTCTTTCTGTGAGAAAATACTGGTGTGAAATATCTCAGCA[A>G]CAGTGGTTAGGTATGTTTTGAAGGTTGTTGTTTGTGAATTTTTCCTCATGAAATGAAACT-3'
Protein context (NP_000042.3, residues 152-172): VRKYWCEISQ[Gln162=]QWLELFSVYF

ClinVar aggregate classification (germline): Benign/Likely benign. Review status: criteria provided, multiple submitters, no conflicts (2 of 4 stars). 3 submissions from 3 submitters: Benign (1); Likely benign (2). Last evaluated 2024-04-19.

Conditions:
Familial cancer of breast. Also called: BREAST CANCER, FAMILIAL; Hereditary breast cancer; hereditary breast carcinoma. Identifiers: Orphanet 227535, MedGen C0346153, MONDO:0016419, OMIM 114480. Disease mechanism: loss of function.
Hereditary cancer-predisposing syndrome. Also called: Hereditary neoplastic syndrome; Hereditary Cancer Syndrome; Neoplastic Syndromes, Hereditary; Tumor predisposition. Identifiers: Orphanet 140162, MedGen C0027672, MeSH D009386, MONDO:0015356.
Ataxia-telangiectasia syndrome (AT). Also called: Ataxia-telangiectasia, complementation group D; LOUIS-BAR SYNDROME; ATAXIA-TELANGIECTASIA, COMPLEMENTATION GROUP A; ATAXIA-TELANGIECTASIA, FRESNO VARIANT; Ataxia telangiectasia (A-T); Cerebello-oculocutaneous telangiectasia. Identifiers: Orphanet 100, MedGen C0004135, MONDO:0008840, OMIM 208900.

Allele frequency attached by ClinVar (database versions not stated): gnomAD exomes below 0.00001.
gnomAD v4.1: 2 of 1,613,886 alleles (0.00012%); highest among the groups gnomAD compares: Non-Finnish European, 0.00017%; no homozygotes.

Submissions (3):

Myriad Genetics, Inc.
Classification: Benign for Familial cancer of breast. Last evaluated: 2024-04-19. Review status: criteria provided, single submitter. Criteria: Myriad Autosomal Dominant, Autosomal Recessive and X-Linked Classification Criteria (2023). Collection method: clinical testing. Allele origin: unknown.
Comment: This variant is considered benign. This variant is a silent/synonymous amino acid change and it is not expected to impact splicing.

Ambry Genetics
Classification: Likely benign for Hereditary cancer-predisposing syndrome. Last evaluated: 2024-04-04. Review status: criteria provided, single submitter. Criteria: Ambry Variant Classification Scheme 2023. Collection method: clinical testing. Allele origin: germline.

Labcorp Genetics (formerly Invitae), Labcorp
Classification: Likely benign for Ataxia-telangiectasia syndrome. Last evaluated: 2023-10-06. Review status: criteria provided, single submitter. Criteria: Invitae Variant Classification Sherloc (09022015). Collection method: clinical testing. Allele origin: germline.